The following is an entry in ClinVar:

ClinVar aggregate classification (germline): Likely benign. Review status: criteria provided, multiple submitters, no conflicts (2 of 4 stars). 2 submissions from 2 submitters: Likely benign (2). Last evaluated 2026-01-11.

Conditions:
TH-deficient dopa-responsive dystonia. Also called: Tyrosine Hydroxylase-Deficient Dopa-Responsive Dystonia; DYT-TH; Segawa syndrome, autosomal recessive. Identifiers: Orphanet 101150, MedGen C2673535, MONDO:0011551, OMIM 605407.

Allele frequency attached by ClinVar (database versions not stated): TOPMed 0.00002.
gnomAD v4.1: 13 of 1,541,956 alleles (0.00084%); highest among the groups gnomAD compares: Middle Eastern, 0.035%; no homozygotes.

Submissions (2):

Labcorp Genetics (formerly Invitae), Labcorp
Classification: Likely benign for TH-deficient dopa-responsive dystonia. Last evaluated: 2026-01-11. Review status: criteria provided, single submitter. Criteria: Invitae Variant Classification Sherloc (09022015). Collection method: clinical testing. Allele origin: germline.

CeGaT Center for Human Genetics Tuebingen
Classification: Likely benign. Last evaluated: 2023-08-01. Review status: criteria provided, single submitter. Criteria: CeGaT Center For Human Genetics Tuebingen Variant Classification Criteria Version 2. Collection method: clinical testing. Allele origin: germline. Affected: yes. Observed: 1 variant allele.
Comment: TH: BP4, BP7

NM_000360.4(TH):c.1389G>T (p.Thr463=)

Gene: TH (tyrosine hydroxylase; minus strand). Cytogenetic location: 11p15.5.
Variant type: single nucleotide variant.
Coding change: c.1389G>T on transcript NM_000360.4 (MANE Select); coding-DNA position 1389, G replaced by T.
Protein change: p.Thr463=; no amino-acid change (threonine 463 retained).
Molecular consequence: synonymous variant.
Genome position (GRCh38, 1-based): chr11:2,164,338, C>A on the plus strand (G>T on the coding strand, the complement: TH is on the minus strand). VCF-style: chr11-2164338-C-A. GRCh37 (hg19) VCF-style: chr11-2185568-C-A.
Other names: c.1482G>T, p.Thr494= (NM_199292.3); c.1470G>T, p.Thr490= (NM_199293.3).
Identifiers: ClinVar variation 772205 (VCV000772205.35), dbSNP rs370029424, ClinGen allele CA5818255.